The following is an entry in ClinVar:

NM_004369.4(COL6A3):c.8076T>G (p.Tyr2692Ter)

Gene: COL6A3 (collagen type VI alpha 3 chain; minus strand). Cytogenetic location: 2q37.3.
Variant type: single nucleotide variant.
Coding change: c.8076T>G on transcript NM_004369.4 (MANE Select); coding-DNA position 8076, T replaced by G.
Protein change: p.Tyr2692Ter; replaces tyrosine 2692 with a stop codon.
Molecular consequence: nonsense.
Genome position (GRCh38, 1-based): chr2:237,340,840, A>C on the plus strand (T>G on the coding strand, the complement: COL6A3 is on the minus strand). VCF-style: chr2-237340840-A-C. GRCh37 (hg19) VCF-style: chr2-238249483-A-C.
Other names: c.6255T>G, p.Tyr2085Ter (NM_057166.5); c.7458T>G, p.Tyr2486Ter (NM_057167.4); short protein forms Y2692*, Y2085*, Y2486*.
Identifiers: ClinVar variation 620352 (VCV000620352.1), dbSNP rs1306053610, ClinGen allele CA351196644.

ClinVar aggregate classification (germline): Likely pathogenic (1 of 4 stars; one submission).

gnomAD v4.1: 4 of 1,614,186 alleles (0.00025%); no homozygotes.

Submission:

GeneDx
Classification: Likely pathogenic. Last evaluated: 2018-09-11. Review status: criteria provided, single submitter. Criteria: GeneDx Variant Classification (06012015). Collection method: clinical testing. Allele origin: germline. Affected: yes.
Comment: The Y2692X variant in the COL6A3 gene has not been reported previously as a pathogenic variant nor as a benign variant, to our knowledge. This variant is predicted to cause loss of normal protein function either through protein truncation or nonsense-mediated mRNA decay. The Y2692X variant is not observed at a significant frequency in large population cohorts (Lek et al., 2016). We interpret Y2692X as a likely pathogenic variant.